The following is an entry in ClinVar:

ClinVar aggregate classification (germline): Uncertain significance (1 of 4 stars; one submission).

Conditions:
Progressive myoclonic epilepsy type 5. Identifiers: Orphanet 402082, MedGen C5190799.

Allele frequency attached by ClinVar (database versions not stated): gnomAD exomes below 0.00001; TOPMed below 0.00001; gnomAD 0.00001.
gnomAD v4.1: 11 of 1,614,022 alleles (0.00068%); highest among the groups gnomAD compares: Non-Finnish European, 0.00093%; no homozygotes.

Submission:

Labcorp Genetics (formerly Invitae), Labcorp
Classification: Uncertain significance for Progressive myoclonic epilepsy type 5. Last evaluated: 2019-01-29. Review status: criteria provided, single submitter. Criteria: Invitae Variant Classification Sherloc (09022015). Collection method: clinical testing. Allele origin: germline.
Comment: Algorithms developed to predict the effect of missense changes on protein structure and function (SIFT, PolyPhen-2, Align-GVGD) all suggest that this variant is likely to be disruptive, but these predictions have not been confirmed by published functional studies and their clinical significance is uncertain. In summary, the available evidence is currently insufficient to determine the role of this variant in disease. Therefore, it has been classified as a Variant of Uncertain Significance. This variant has not been reported in the literature in individuals with PRICKLE2-related conditions. This variant is not present in population databases (ExAC no frequency). This sequence change replaces serine with tyrosine at codon 556 of the PRICKLE2 protein (p.Ser556Tyr). The serine residue is highly conserved and there is a large physicochemical difference between serine and tyrosine.

NM_198859.4(PRICKLE2):c.1667C>A (p.Ser556Tyr)

Genes: PRICKLE2 (prickle planar cell polarity protein 2; minus strand), PRICKLE2-AS1 (PRICKLE2 antisense RNA 1; plus strand). Cytogenetic location: 3p14.1.
Variant type: single nucleotide variant.
Coding change: c.1667C>A on transcript NM_198859.4 (MANE Select); coding-DNA position 1667, C replaced by A.
Protein change: p.Ser556Tyr; replaces serine 556 with tyrosine.
Molecular consequence: missense variant. On other transcripts: non-coding transcript variant (1).
Genome position (GRCh38, 1-based): chr3:64,099,919, G>T on the plus strand (C>A on the coding strand, the complement: PRICKLE2 is on the minus strand). VCF-style: chr3-64099919-G-T. GRCh37 (hg19) VCF-style: chr3-64085595-G-T.
Other names: c.1667C>A, p.Ser556Tyr (NM_001370528.1); short protein forms S556Y.
Identifiers: ClinVar variation 843812 (VCV000843812.7), dbSNP rs1205407393, ClinGen allele CA353428449.